The following is an entry in ClinVar:

ClinVar aggregate classification (germline): Likely pathogenic (1 of 4 stars; one submission).

gnomAD v4.1: 1 of 1,600,158 alleles (0.000062%); highest among the groups gnomAD compares: South Asian, 0.0011%; no homozygotes.

Submission:

Labcorp Genetics (formerly Invitae), Labcorp
Classification: Likely pathogenic. Last evaluated: 2022-06-22. Review status: criteria provided, single submitter. Criteria: Invitae Variant Classification Sherloc (09022015). Collection method: clinical testing. Allele origin: germline.
Comment: In summary, the currently available evidence indicates that the variant is pathogenic, but additional data are needed to prove that conclusively. Therefore, this variant has been classified as Likely Pathogenic. Algorithms developed to predict the effect of sequence changes on RNA splicing suggest that this variant may disrupt the consensus splice site. This variant has not been reported in the literature in individuals affected with ADAMTS13-related conditions. This variant is not present in population databases (gnomAD no frequency). This sequence change affects a donor splice site in intron 22 of the ADAMTS13 gene. It is expected to disrupt RNA splicing. Variants that disrupt the donor or acceptor splice site typically lead to a loss of protein function (PMID: 16199547), and loss-of-function variants in ADAMTS13 are known to be pathogenic (PMID: 11586351, 12753286, 21781265).

Literature cited by the submitters: PubMed 16199547; PubMed 11586351; PubMed 12753286; PubMed 21781265.

NM_139027.6(ADAMTS13):c.2861+1G>A

Gene: ADAMTS13 (ADAM metallopeptidase with thrombospondin type 1 motif 13; plus strand). Cytogenetic location: 9q34.2.
Variant type: single nucleotide variant.
Coding change: c.2861+1G>A on transcript NM_139027.6 (MANE Select); the canonical splice donor site of the intron after coding-DNA position 2861, G replaced by A.
Molecular consequence: splice donor variant.
Genome position (GRCh38, 1-based): chr9:133,448,729, G>A. VCF-style: chr9-133448729-G-A. GRCh37 (hg19) VCF-style: chr9-136313850-G-A.
Other names: c.2861+1G>A (NM_139025.5); c.2768+1G>A (NM_139026.6).
Identifiers: ClinVar variation 2009350 (VCV002009350.4), dbSNP rs1554793379, ClinGen allele CA375404757.